The following is an entry in ClinVar:

ClinVar aggregate classification (germline): Pathogenic (1 of 4 stars; one submission).

Conditions:
BAP1-related tumor predisposition syndrome (TPDS1). Also called: COMMON Syndrome; TUMOR PREDISPOSITION SYNDROME 1; BAP1 tumor predisposition syndrome; Tumor susceptibility linked to germline BAP1 mutations. Identifiers: Orphanet 289539, MedGen C3280492, MONDO:0013692, OMIM 614327.

Submission:

Myriad Genetics, Inc.
Classification: Pathogenic for BAP1-related tumor predisposition syndrome. Last evaluated: 2024-01-09. Review status: criteria provided, single submitter. Criteria: Myriad Autosomal Dominant, Autosomal Recessive and X-Linked Classification Criteria (2023). Collection method: clinical testing. Allele origin: unknown.
Comment: This variant is considered pathogenic. This variant creates a frameshift predicted to result in premature protein truncation.

NM_004656.4(BAP1):c.1934del (p.Asn645fs)

Gene: BAP1 (BRCA1 associated deubiquitinase 1; minus strand). Cytogenetic location: 3p21.1.
Variant type: Deletion.
Coding change: c.1934del on transcript NM_004656.4 (MANE Select); coding-DNA position 1934, one base deleted (A; older notation c.1934delA).
Protein change: p.Asn645fs; shifts the reading frame from asparagine 645.
Molecular consequence: frameshift variant.
Genome position (GRCh38, 1-based): chr3:52,402,828, T deleted on the plus strand (A on the coding strand, the reverse complement: BAP1 is on the minus strand); the first of 3 consecutive T bases (chr3:52,402,828-52,402,830); deleting any one gives the same sequence. VCF-style (leftmost placement, unchanged base first): chr3-52402827-GT-G. GRCh37 (hg19) VCF-style: chr3-52436843-GT-G.
Other names: c.1880del, p.Asn627fs (NM_001410772.1); short protein forms N645fs, N627fs.
Identifiers: ClinVar variation 3148669 (VCV003148669.1), dbSNP rs2471322438, ClinGen allele CA645529878.